The following is an entry in ClinVar:

ClinVar aggregate classification (germline): Uncertain significance (1 of 4 stars; one submission).

Submission:

GeneDx
Classification: Uncertain significance. Last evaluated: 2026-01-17. Review status: criteria provided, single submitter. Criteria: GeneDx Variant Classification Process June 2021. Collection method: clinical testing. Allele origin: germline.
Comment: Not observed at significant frequency in large population cohorts (gnomAD); In silico analysis suggests that this missense variant does not alter protein structure/function; Has not been previously published as pathogenic or benign to our knowledge

NM_016148.5(SHANK1):c.5930C>G (p.Ser1977Cys)

Gene: SHANK1 (SH3 and multiple ankyrin repeat domains 1; minus strand). Cytogenetic location: 19q13.33.
Variant type: single nucleotide variant.
Coding change: c.5930C>G on transcript NM_016148.5 (MANE Select); coding-DNA position 5930, C replaced by G.
Protein change: p.Ser1977Cys; replaces serine 1977 with cysteine.
Molecular consequence: missense variant.
Genome position (GRCh38, 1-based): chr19:50,662,521, G>C on the plus strand (C>G on the coding strand, the complement: SHANK1 is on the minus strand). VCF-style: chr19-50662521-G-C. GRCh37 (hg19) VCF-style: chr19-51165778-G-C.
Other names: short protein forms S1977C.
Identifiers: ClinVar variation 3893410 (VCV003893410.2).